The following is an entry in ClinVar:

ClinVar aggregate classification (germline): Likely benign. Review status: criteria provided, multiple submitters, no conflicts (2 of 4 stars). 2 submissions from 2 submitters: Likely benign (2). Last evaluated 2018-06-16.

Allele frequency attached by ClinVar (database versions not stated): 1000 Genomes Project 0.01218; 1000 Genomes Project 30x 0.01249; gnomAD 0.01887 and 0.01897; TOPMed 0.01900; gnomAD exomes 0.02506.
gnomAD v4.1: 17,729 of 747,206 alleles (2.4%); highest among the groups gnomAD compares: Non-Finnish European, 3.2%; 297 homozygotes.

Submissions (2):

GeneDx
Classification: Likely benign. Last evaluated: 2018-06-16. Review status: criteria provided, single submitter. Criteria: GeneDx Variant Classification (06012015). Collection method: clinical testing. Allele origin: germline. Affected: yes.
Comment: This variant is considered likely benign or benign based on one or more of the following criteria: it is a conservative change, it occurs at a poorly conserved position in the protein, it is predicted to be benign by multiple in silico algorithms, and/or has population frequency not consistent with disease.

Breakthrough Genomics
Classification: Likely benign. Review status: criteria provided, single submitter. Criteria: ACMG Guidelines, 2015. Collection method: not provided. Allele origin: germline. Inheritance: Autosomal recessive inheritance. Affected: yes.

NM_001079802.2(FKTN):c.648-129T>A

Gene: FKTN (fukutin; plus strand). Cytogenetic location: 9q31.2.
Variant type: single nucleotide variant.
Coding change: c.648-129T>A on transcript NM_001079802.2 (MANE Select); 129 bases into the intron before coding-DNA position 648, T replaced by A.
Molecular consequence: intron variant.
Genome position (GRCh38, 1-based): chr9:105,607,690, T>A. VCF-style: chr9-105607690-T-A. GRCh37 (hg19) VCF-style: chr9-108369971-T-A.
Other names: c.648-129T>A (NM_006731.2, NM_001351496.2, NM_001198963.2 and 1 more transcripts); c.252-129T>A (NM_001351502.2, NM_001351499.2, NM_001351500.2 and 1 more transcripts); c.579-129T>A (NM_001351497.2).
Identifiers: ClinVar variation 671498 (VCV000671498.2), dbSNP rs10978171, ClinGen allele CA197441164.
Genomic context (GRCh38, chr9:105,607,690, plus strand): 5'-TTAAGTAGTGGGACACATGTACTGAACGTGCAGGTTTGTTACATAGGTATACATGTGCCA[T>A]GGTAGTTTGCTGCACCTATCAACCTGTTATCTAGGTTTTAAGCTCTGCACGCATTAGGTA-3'